The following is an entry in ClinVar:

NM_001042492.3(NF1):c.4207_4208insCCCG (p.Gly1403fs)

Gene: NF1 (neurofibromin 1; plus strand). Cytogenetic location: 17q11.2.
Variant type: Insertion.
Coding change: c.4207_4208insCCCG on transcript NM_001042492.3 (MANE Select); coding-DNA positions 4207 to 4208, CCCG inserted.
Protein change: p.Gly1403fs; shifts the reading frame from glycine 1403.
Molecular consequence: frameshift variant.
Genome position: GRCh38 VCF-style: chr17-31258375-T-TCGCC. GRCh37 (hg19) VCF-style: chr17-29585393-T-TCGCC.
Other names: c.4144_4145insCCCG, p.Gly1382Alafs (NM_000267.4); short protein forms G1382fs, G1403fs.
Identifiers: ClinVar variation 3342642 (VCV003342642.1).

ClinVar aggregate classification (germline): Likely pathogenic (1 of 4 stars; one submission).

Submission:

GeneDx
Classification: Likely pathogenic. Last evaluated: 2022-09-29. Review status: criteria provided, single submitter. Criteria: GeneDx Variant Classification Process June 2021. Collection method: clinical testing. Allele origin: germline. Affected: yes.
Comment: Frameshift variant predicted to result in protein truncation or nonsense mediated decay in a gene for which loss of function is a known mechanism of disease; Not observed at significant frequency in large population cohorts (gnomAD); Has not been previously published as pathogenic or benign to our knowledge